The following is an entry in ClinVar:

ClinVar aggregate classification (germline): Likely benign. Review status: criteria provided, multiple submitters, no conflicts (2 of 4 stars). 4 submissions from 4 submitters: Likely benign (4). Last evaluated 2026-04-30.

Conditions:
Charcot-Marie-Tooth disease. Also called: Charcot-Marie-Tooth Neuropathy; Charcot-Marie-Tooth Hereditary Neuropathy. Identifiers: Orphanet 166, MedGen C0007959, MONDO:0015626.
PMP22-related disorder. Also called: PMP22-related disorders; PMP22-related condition.
Charcot-Marie-Tooth disease, type I (CMT1). Also called: Charcot-Marie-Tooth disease type 1; Charcot-Marie-Tooth, Type 1. Identifiers: Orphanet 65753, MedGen C0751036, MONDO:0019011.

Allele frequency attached by ClinVar (database versions not stated): TOPMed 0.00005; gnomAD 0.00011; 1000 Genomes Project 30x 0.00016; 1000 Genomes Project 0.00020; ExAC 0.00003; gnomAD exomes 0.00004.
gnomAD v4.1: 41 of 1,614,134 alleles (0.0025%); highest among the groups gnomAD compares: African/African-American, 0.019%; no homozygotes.

Submissions (4):

PreventionGenetics, part of Exact Sciences
Classification: Likely benign for PMP22-related condition. Last evaluated: 2026-04-30. Review status: criteria provided, single submitter. Criteria: ACMG Guidelines, 2015. Collection method: clinical testing. Allele origin: germline.
Comment: This variant is classified as likely benign based on ACMG/AMP sequence variant interpretation guidelines (Richards et al. 2015 PMID: 25741868, with internal and published modifications).

Labcorp Genetics (formerly Invitae), Labcorp
Classification: Likely benign for Charcot-Marie-Tooth disease, type I. Last evaluated: 2025-09-15. Review status: criteria provided, single submitter. Criteria: Invitae Variant Classification Sherloc (09022015). Collection method: clinical testing. Allele origin: germline.

Breakthrough Genomics
Classification: Likely benign. Review status: criteria provided, single submitter. Criteria: ACMG Guidelines, 2015. Collection method: not provided. Allele origin: germline. Inheritance: Autosomal recessive inheritance. Affected: yes.

Molecular Genetics Laboratory, London Health Sciences Centre
Classification: Likely benign for Charcot-Marie-Tooth disease. Review status: criteria provided, single submitter. Criteria: ACMG Guidelines, 2015. Collection method: clinical testing. Allele origin: germline. Affected: yes.

NM_000304.4(PMP22):c.402C>T (p.Phe134=)

Gene: PMP22 (peripheral myelin protein 22; minus strand). Cytogenetic location: 17p12.
Variant type: single nucleotide variant.
Coding change: c.402C>T on transcript NM_000304.4 (MANE Select); coding-DNA position 402, C replaced by T.
Protein change: p.Phe134=; no amino-acid change (phenylalanine 134 retained).
Molecular consequence: synonymous variant. On other transcripts: non-coding transcript variant (2).
Genome position (GRCh38, 1-based): chr17:15,230,998, G>A on the plus strand (C>T on the coding strand, the complement: PMP22 is on the minus strand). VCF-style: chr17-15230998-G-A. GRCh37 (hg19) VCF-style: chr17-15134315-G-A.
Other names: c.402C>T, p.Phe134= (NM_001281455.2, NM_001281456.2, NM_153321.3 and 1 more transcripts).
Identifiers: ClinVar variation 916814 (VCV000916814.11), dbSNP rs536417866, ClinGen allele CA8403307.